The following is an entry in ClinVar:

ClinVar aggregate classification (germline): Uncertain significance (1 of 4 stars; one submission).

Submission:

CeGaT Center for Human Genetics Tuebingen
Classification: Uncertain significance. Last evaluated: 2026-03-01. Review status: criteria provided, single submitter. Criteria: CeGaT Center For Human Genetics Tuebingen Variant Classification Criteria Version 2. Collection method: clinical testing. Allele origin: germline. Affected: yes. Observed: 1 variant allele.
Comment: CACNB4: PM2

NM_000726.5(CACNB4):c.699+198T>G

Gene: CACNB4 (calcium voltage-gated channel auxiliary subunit beta 4; minus strand). Cytogenetic location: 2q23.3.
Variant type: single nucleotide variant.
Coding change: c.699+198T>G on transcript NM_000726.5 (MANE Select); 198 bases into the intron after coding-DNA position 699, T replaced by G.
Molecular consequence: intron variant.
Genome position (GRCh38, 1-based): chr2:151,870,333, A>C on the plus strand (T>G on the coding strand, the complement: CACNB4 is on the minus strand). VCF-style: chr2-151870333-A-C. GRCh37 (hg19) VCF-style: chr2-152726847-A-C.
Other names: c.699+198T>G (NM_001145798.2); c.625+198T>G (NM_001330113.2); c.645+198T>G (NM_001005746.4); c.577+198T>G (NM_001330115.2); c.597+198T>G (NM_001005747.4); c.538+198T>G (NM_001330116.2); c.45+198T>G (NM_001330114.2); c.558+198T>G (NM_001320722.3, NM_001330118.1); and 1 more.
Identifiers: ClinVar variation 4823739 (VCV004823739.4).
Genomic context (GRCh38, chr2:151,870,333, plus strand): 5'-GACCAGATCTTCCCATTGTGAATATTTTGAGGGAGGTATTTCTAAACAATGTAATACATA[A>C]AAGATGAGAAGTGTGCAAGAGAGGAAAGAAAGGGCAGAGGGCCTCATGAGCCCCACACGG-3'